The following is an entry in ClinVar:

NM_001267550.2(TTN):c.48079C>T (p.Arg16027Cys)

Genes: TTN (titin; minus strand), TTN-AS1 (TTN antisense RNA 1; plus strand). Cytogenetic location: 2q31.2.
Variant type: single nucleotide variant.
Coding change: c.48079C>T on transcript NM_001267550.2 (MANE Select); coding-DNA position 48079, C replaced by T.
Protein change: p.Arg16027Cys; replaces arginine 16027 with cysteine.
Molecular consequence: missense variant.
Genome position (GRCh38, 1-based): chr2:178,616,810, G>A on the plus strand (C>T on the coding strand, the complement: TTN is on the minus strand). VCF-style: chr2-178616810-G-A. GRCh37 (hg19) VCF-style: chr2-179481537-G-A.
Other names: c.43156C>T, p.Arg14386Cys (NM_001256850.1); c.20884C>T, p.Arg6962Cys (NM_003319.4); c.40375C>T, p.Arg13459Cys (NM_133378.4); c.21259C>T, p.Arg7087Cys (NM_133432.3); c.21460C>T, p.Arg7154Cys (NM_133437.4); short protein forms R13459C, R16027C, R6962C, R14386C, R7087C, R7154C.
Identifiers: ClinVar variation 191956 (VCV000191956.4), dbSNP rs765032242, ClinGen allele CA237960.

ClinVar aggregate classification (germline): Uncertain significance. Review status: criteria provided, multiple submitters, no conflicts (2 of 4 stars). 3 submissions from 3 submitters: Uncertain significance (3). Last evaluated 2025-10-21.

Conditions:
TTN-related disorder. Also called: TTN-related condition; TTN-related disease; TTN-related disorders.
Dilated cardiomyopathy 1G (CMD1G). Identifiers: Orphanet 154, MedGen C1858763, MONDO:0011400, OMIM 604145.
Autosomal recessive limb-girdle muscular dystrophy type 2J (LGMDR10). Also called: Limb-girdle muscular dystrophy, type 2J; MUSCULAR DYSTROPHY, LIMB-GIRDLE, AUTOSOMAL RECESSIVE 10. Identifiers: Orphanet 140922, MedGen C1837342, MONDO:0012127, OMIM 608807.

Allele frequency attached by ClinVar (database versions not stated): gnomAD exomes 0.00001 and 0.00003; ExAC 0.00002; gnomAD 0.00002; TOPMed 0.00002.
gnomAD v4.1: 23 of 1,612,484 alleles (0.0014%); highest among the groups gnomAD compares: Admixed American, 0.0033%; no homozygotes.

Submissions (3):

PreventionGenetics, part of Exact Sciences
Classification: Uncertain significance for TTN-related condition. Last evaluated: 2025-10-21. Review status: criteria provided, single submitter. Criteria: ACMG Guidelines, 2015. Collection method: clinical testing. Allele origin: germline.
Comment: The TTN c.48079C>T variant is predicted to result in the amino acid substitution p.Arg16027Cys. This variant has been reported in an individual who was sequenced as part of the ClinSeq exome sequencing cohort (referred to as c.40375C>T, p.Arg13459Cys in transcript NM_133378, Supplemental Table 3, Ng et al. 2013. PubMed ID: 23861362). This variant is reported in 0.0065% of alleles in individuals of South Asian descent in gnomAD. At this time, the clinical significance of this variant is uncertain due to the absence of conclusive functional and genetic evidence.

Labcorp Genetics (formerly Invitae), Labcorp
Classification: Uncertain significance for Dilated cardiomyopathy 1G; Autosomal recessive limb-girdle muscular dystrophy type 2J. Last evaluated: 2017-02-25. Review status: criteria provided, single submitter. Criteria: Invitae Variant Classification Sherloc (09022015). Collection method: clinical testing. Allele origin: germline.

Biesecker Lab/Clinical Genomics Section, National Institutes of Health
Classification: Uncertain significance. Last evaluated: 2013-06-24. Review status: criteria provided, single submitter. Criteria: Ng et al. (Circ Cardiovasc Genet. 2013). Collection method: research. Allele origin: unknown. Observed: 1 variant allele. Study: ClinSeq.
Comment: The study set was not selected for affection status in relation to any cancer. Pathogenicity categories were based on literature curation. See Pubmed ID:23861362 for details.

Medical sequencing